The following is an entry in ClinVar:

Conditions:
Breast-ovarian cancer, familial, susceptibility to, 1 (BROVCA1). Also called: BRCA1 Hereditary Breast and Ovarian Cancer; OVARIAN CANCER, SUSCEPTIBILITY TO. Identifiers: Orphanet 145, MedGen C2676676, MONDO:0011450, OMIM 604370. Disease mechanism: loss of function.

Submission:

Brotman Baty Institute, University of Washington
No classification provided (evidence only). Condition: Breast-ovarian cancer, familial 1. Review status: no classification provided. Collection method: in vitro. Allele origin: not applicable. Functional consequence: functionally_normal.
ClinVar note: "not provided" was previously submitted as the classification for the variant. However, the classification appeared to be based only on an observation of functional data so it was converted to no classification on 2025-07-30.

NM_007294.4(BRCA1):c.5468-4C>G

Gene: BRCA1 (BRCA1 DNA repair associated; minus strand). Cytogenetic location: 17q21.31.
Variant type: single nucleotide variant.
Coding change: c.5468-4C>G on transcript NM_007294.4 (MANE Select); 4 bases into the intron before coding-DNA position 5468, C replaced by G.
Molecular consequence: intron variant.
Genome position (GRCh38, 1-based): chr17:43,045,806, G>C on the plus strand (C>G on the coding strand, the complement: BRCA1 is on the minus strand). VCF-style: chr17-43045806-G-C. GRCh37 (hg19) VCF-style: chr17-41197823-G-C.
Other names: c.2015-4C>G (NM_001408458.1, NM_001408461.1, NM_001408464.1 and 7 more transcripts); c.4577-4C>G (NM_001407967.1); c.5087-4C>G (NM_001407959.1); c.5201-4C>G (NM_001407931.1, NM_001407932.1, NM_001407928.1 and 4 more transcripts); c.5324-4C>G (NM_001407747.1, NM_001407745.1, NM_001407737.1 and 18 more transcripts); c.5084-4C>G (NM_001407962.1, NM_001407960.1); c.1655-4C>G (NM_001408512.1); c.1778-4C>G (NM_001408510.1); and 83 more.
Identifiers: ClinVar variation 868560 (VCV000868560.3), dbSNP rs763484977, ClinGen allele CA916080705.
Genomic context (GRCh38, chr17:43,045,806, plus strand): 5'-CACTGTCCAACACCCACTCTCGGGTCACCACAGGTGCCTCACACATCTGCCCAATTGCTG[G>C]AGACAGAGAACACAAGCAGAGATTAGTGTCAATTCATTCTCCTGGACTAGGCTCTAATCA-3'